The following is an entry in ClinVar:

ClinVar aggregate classification (germline): Uncertain significance. Review status: criteria provided, multiple submitters, no conflicts (2 of 4 stars). 2 submissions from 2 submitters: Uncertain significance (2). Last evaluated 2022-03-03.

Conditions:
Inborn genetic diseases. Identifiers: MedGen C0950123, MeSH D030342.
Infantile-onset ascending hereditary spastic paralysis (IAHSP). Also called: Infantile-Onset Ascending Hereditary Spastic Paralysis (IAHSP); Autosomal Recessive Juvenile Amyotrophic Lateral Sclerosis. Identifiers: Orphanet 293168, MedGen C2931441, MONDO:0011797, OMIM 607225. Disease mechanism: loss of function.

Allele frequency attached by ClinVar (database versions not stated): gnomAD 0.00001; gnomAD exomes 0.00001 and 0.00005; TOPMed 0.00003; ExAC 0.00004; 1000 Genomes Project 30x 0.00016; 1000 Genomes Project 0.00020.
gnomAD v4.1: 22 of 1,614,046 alleles (0.0014%); highest among the groups gnomAD compares: Admixed American, 0.022%; no homozygotes.

Submissions (2):

Labcorp Genetics (formerly Invitae), Labcorp
Classification: Uncertain significance for Infantile-onset ascending hereditary spastic paralysis. Last evaluated: 2022-03-03. Review status: criteria provided, single submitter. Criteria: Invitae Variant Classification Sherloc (09022015). Collection method: clinical testing. Allele origin: germline.
Comment: This sequence change replaces arginine, which is basic and polar, with cysteine, which is neutral and slightly polar, at codon 1405 of the ALS2 protein (p.Arg1405Cys). This variant is present in population databases (rs572110252, gnomAD 0.03%). This variant has not been reported in the literature in individuals affected with ALS2-related conditions. Algorithms developed to predict the effect of missense changes on protein structure and function (SIFT, PolyPhen-2, Align-GVGD) all suggest that this variant is likely to be disruptive. In summary, the available evidence is currently insufficient to determine the role of this variant in disease. Therefore, it has been classified as a Variant of Uncertain Significance.

Ambry Genetics
Classification: Uncertain significance for Inborn genetic diseases. Last evaluated: 2021-07-14. Review status: criteria provided, single submitter. Criteria: Ambry Variant Classification Scheme 2023. Collection method: clinical testing. Allele origin: germline.

NM_020919.4(ALS2):c.4213C>T (p.Arg1405Cys)

Gene: ALS2 (alsin Rho guanine nucleotide exchange factor ALS2; minus strand). Cytogenetic location: 2q33.1.
Variant type: single nucleotide variant.
Coding change: c.4213C>T on transcript NM_020919.4 (MANE Select); coding-DNA position 4213, C replaced by T.
Protein change: p.Arg1405Cys; replaces arginine 1405 with cysteine.
Molecular consequence: missense variant.
Genome position (GRCh38, 1-based): chr2:201,709,948, G>A on the plus strand (C>T on the coding strand, the complement: ALS2 is on the minus strand). VCF-style: chr2-201709948-G-A. GRCh37 (hg19) VCF-style: chr2-202574671-G-A.
Other names: c.4213C>T (NM_020919.3); short protein forms R1405C.
Identifiers: ClinVar variation 1515478 (VCV001515478.4), dbSNP rs572110252, ClinGen allele CA2057636.